The following is an entry in ClinVar:

NM_033100.4(CDHR1):c.1A>G (p.Met1Val)

Gene: CDHR1 (cadherin related family member 1; plus strand). Cytogenetic location: 10q23.1.
Variant type: single nucleotide variant.
Coding change: c.1A>G on transcript NM_033100.4 (MANE Select); coding-DNA position 1, A replaced by G.
Protein change: p.Met1Val; changes the start codon (methionine 1).
Molecular consequence: missense variant, initiator codon variant.
Genome position (GRCh38, 1-based): chr10:84,194,761, A>G. VCF-style: chr10-84194761-A-G. GRCh37 (hg19) VCF-style: chr10-85954517-A-G.
Other names: c.1A>G, p.Met1Val (NM_001171971.3); c.1A>G (NM_001171971.2); short protein forms M1V.
Identifiers: ClinVar variation 193474 (VCV000193474.20), dbSNP rs794726954, ClinGen allele CA238994.

ClinVar aggregate classification (germline): Conflicting classifications of pathogenicity. Review status: criteria provided, conflicting classifications (1 of 4 stars). 8 submissions from 8 submitters: Pathogenic (3); Likely pathogenic (3); Uncertain significance (1). 1 of the submissions does not count toward it. Last evaluated 2024-04-23.

Conditions:
CDHR1-related disorders.
CDHR1-related disorder. Also called: CDHR1-related condition.
Retinal dystrophy. Also called: Inherited retinal dystrophy. Identifiers: Orphanet 71862, MedGen C0854723, MeSH D058499, MONDO:0019118, HP:0000556.
Retinitis pigmentosa (RP). Identifiers: Orphanet 791, MedGen C0035334, MeSH D012174, MONDO:0019200, OMIM 268000. Inheritance: Autosomal dominant, autosomal recessive and X linked inheritance.
Cone-rod dystrophy 15 (CORD15). Identifiers: MedGen C3150912, MONDO:0013348, OMIM 613660.

Allele frequency attached by ClinVar (database versions not stated): gnomAD 0.00002 and 0.00003; TOPMed 0.00002.

Submissions (8):

Labcorp Genetics (formerly Invitae), Labcorp
Classification: Pathogenic. Last evaluated: 2024-04-23. Review status: criteria provided, single submitter. Criteria: Invitae Variant Classification Sherloc (09022015). Collection method: clinical testing. Allele origin: germline.
Comment: This sequence change affects the initiator methionine of the CDHR1 mRNA. The next in-frame methionine is located at codon 39. This variant is present in population databases (rs794726954, gnomAD 0.005%). Disruption of the initiator codon has been observed in individuals with retinal dystrophy (PMID: 26306921, 32037395, 32681094; Invitae). ClinVar contains an entry for this variant (Variation ID: 193474). For these reasons, this variant has been classified as Pathogenic.

Blueprint Genetics
Classification: Pathogenic for CDHR1-related disorders. Last evaluated: 2024-03-28. Review status: criteria provided, single submitter. Criteria: ACMG Guidelines, 2015. Collection method: clinical testing. Allele origin: germline. Affected: yes. Observed: 5 variant alleles.

DBGen Ocular Genomics
Classification: Likely pathogenic for Cone-rod dystrophy 15. Last evaluated: 2021-06-01. Review status: criteria provided, single submitter. Criteria: ACMG Guidelines, 2015. Collection method: clinical testing. Allele origin: germline. Affected: yes. Observed: 1 variant allele.

Broad Center for Mendelian Genomics, Broad Institute of MIT and Harvard
Classification: Likely pathogenic for Retinitis pigmentosa. Last evaluated: 2021-04-01. Review status: criteria provided, single submitter. Criteria: ACMG Guidelines, 2015. Collection method: curation. Allele origin: germline. Inheritance: Autosomal recessive inheritance. Affected: yes.
Comment: Through a review of available evidence we were able to apply the following criteria: PVS1, PM2, PP3. Based on this evidence we have classified this variant as Likely Pathogenic. If you have any questions about the classification please reach out to the Pierce Lab.

GeneDx
Classification: Pathogenic. Last evaluated: 2021-01-19. Review status: criteria provided, single submitter. Criteria: GeneDx Variant Classification Process June 2021. Collection method: clinical testing. Allele origin: germline. Affected: yes.
Comment: Described in an individual with adult-onset macular dystrophy and reduced visual acuity who also harbored a synonymous variant in CDHR1 in published literature (Ba-Abbad et al., 2020); Initiation codon variant in a gene for which loss-of-function is a known mechanism of disease; This variant is associated with the following publications: (PMID: 32681094)

Institute of Human Genetics, Univ. Regensburg, Univ. Regensburg
Classification: Likely pathogenic for Retinal dystrophy. Last evaluated: 2020-01-01. Review status: criteria provided, single submitter. Criteria: ACMG Guidelines, 2015. Collection method: clinical testing. Allele origin: germline. Affected: yes.

Eurofins Ntd Llc (ga)
Classification: Uncertain significance. Last evaluated: 2015-04-28. Review status: criteria provided, single submitter. Criteria: EGL Classification Definitions 2015. Collection method: clinical testing. Allele origin: germline. Observed: 1 variant allele, 1 heterozygote.

PreventionGenetics, part of Exact Sciences
Classification: Pathogenic for CDHR1-related condition. Last evaluated: 2024-09-16. Review status: no assertion criteria provided. Collection method: clinical testing. Allele origin: germline. Not counted in ClinVar's aggregate classification.
Comment: The CDHR1 c.1A>G variant is predicted to disrupt the translation initiation site (Start Loss). This variant has been reported in individuals with autosomal recessive CDHR1 related disorders (Yohe et al. 2019. PubMed ID: 31816670; Hanany et al. 2020. PubMed ID: 31964843; Zampaglione et al. 2020. PubMed ID: 32037395; Lin et al. 2024. PubMed ID: 38219857). This variant is reported in 0.0051% of alleles in individuals of European (Non-Finnish) descent in gnomAD. This variant is interpreted as pathogenic.

Literature cited by the submitters: PubMed 26306921 (cited by Labcorp Genetics (formerly Invitae), Labcorp and Broad Center for Mendelian Genomics, Broad Institute of MIT and Harvard); PubMed 32037395 (cited by Labcorp Genetics (formerly Invitae), Labcorp and Institute of Human Genetics, Univ. Regensburg, Univ. Regensburg); PubMed 32681094 (cited by Labcorp Genetics (formerly Invitae), Labcorp and Institute of Human Genetics, Univ. Regensburg, Univ. Regensburg); PubMed 34906470 (cited by Broad Center for Mendelian Genomics, Broad Institute of MIT and Harvard); PubMed 31964843 (cited by Institute of Human Genetics, Univ. Regensburg, Univ. Regensburg); PubMed 31816670 (cited by Institute of Human Genetics, Univ. Regensburg, Univ. Regensburg).